The following is an entry in ClinVar:

NM_012144.4(DNAI1):c.903T>G (p.Asp301Glu)

Gene: DNAI1 (dynein axonemal intermediate chain 1; plus strand). Cytogenetic location: 9p13.3.
Variant type: single nucleotide variant.
Coding change: c.903T>G on transcript NM_012144.4 (MANE Select); coding-DNA position 903, T replaced by G.
Protein change: p.Asp301Glu; replaces aspartic acid 301 with glutamic acid.
Molecular consequence: missense variant.
Genome position (GRCh38, 1-based): chr9:34,500,723, T>G. VCF-style: chr9-34500723-T-G. GRCh37 (hg19) VCF-style: chr9-34500721-T-G.
Other names: c.915T>G, p.Asp305Glu (NM_001281428.2); short protein forms D301E, D305E.
Identifiers: ClinVar variation 1985990 (VCV001985990.3), dbSNP rs527254975, ClinGen allele CA5034229.

ClinVar aggregate classification (germline): Uncertain significance. Review status: criteria provided, multiple submitters, no conflicts (2 of 4 stars). 2 submissions from 2 submitters: Uncertain significance (2). Last evaluated 2023-12-11.

Conditions:
Primary ciliary dyskinesia. Also called: Ciliary dyskinesia. Identifiers: Orphanet 244, MedGen C0008780, MONDO:0016575, HP:0012265.

Allele frequency attached by ClinVar (database versions not stated): gnomAD exomes 0.00001; TOPMed 0.00001; ExAC 0.00003; gnomAD 0.00003.
gnomAD v4.1: 25 of 1,612,564 alleles (0.0016%); highest among the groups gnomAD compares: South Asian, 0.0088%; no homozygotes.

Submissions (2):

Labcorp Genetics (formerly Invitae), Labcorp
Classification: Uncertain significance for Primary ciliary dyskinesia. Last evaluated: 2023-12-11. Review status: criteria provided, single submitter. Criteria: Invitae Variant Classification Sherloc (09022015). Collection method: clinical testing. Allele origin: germline.
Comment: This sequence change replaces aspartic acid, which is acidic and polar, with glutamic acid, which is acidic and polar, at codon 301 of the DNAI1 protein (p.Asp301Glu). This variant is present in population databases (rs527254975, gnomAD 0.003%). This variant has not been reported in the literature in individuals affected with DNAI1-related conditions. ClinVar contains an entry for this variant (Variation ID: 1985990). An algorithm developed to predict the effect of missense changes on protein structure and function (PolyPhen-2) suggests that this variant is likely to be disruptive. In summary, the available evidence is currently insufficient to determine the role of this variant in disease. Therefore, it has been classified as a Variant of Uncertain Significance.

Blueprint Genetics
Classification: Uncertain significance. Last evaluated: 2023-09-21. Review status: criteria provided, single submitter. Criteria: ACMG Guidelines, 2015. Collection method: clinical testing. Allele origin: germline.